The following is an entry in ClinVar:

NM_000089.4(COL1A2):c.3164C>T (p.Pro1055Leu)

Gene: COL1A2 (collagen type I alpha 2 chain; plus strand). Cytogenetic location: 7q21.3.
Variant type: single nucleotide variant.
Coding change: c.3164C>T on transcript NM_000089.4 (MANE Select); coding-DNA position 3164, C replaced by T.
Protein change: p.Pro1055Leu; replaces proline 1055 with leucine.
Molecular consequence: missense variant.
Genome position (GRCh38, 1-based): chr7:94,427,192, C>T. VCF-style: chr7-94427192-C-T. GRCh37 (hg19) VCF-style: chr7-94056504-C-T.
Other names: short protein forms P1055L.
Identifiers: ClinVar variation 4991102 (VCV004991102.1).

ClinVar aggregate classification (germline): Uncertain significance (1 of 4 stars; one submission).

Conditions:
COL1A2-related disorder. Also called: COL1A2-related condition; COL1A2-Related Disorders.

gnomAD v4.1: 2 of 1,613,994 alleles (0.00012%); highest among the groups gnomAD compares: Non-Finnish European, 0.00017%; no homozygotes.

Submission:

PreventionGenetics, part of Exact Sciences
Classification: Uncertain significance for COL1A2-related condition. Last evaluated: 2026-04-13. Review status: criteria provided, single submitter. Criteria: ACMG Guidelines, 2015. Collection method: clinical testing. Allele origin: germline.
Comment: The COL1A2 c.3164C>T variant is predicted to result in the amino acid substitution p.Pro1055Leu. To our knowledge, this variant has not been reported in the literature or in a large population database (gnomAD), indicating this variant is rare. At this time, the clinical significance of this variant is uncertain due to the absence of conclusive functional and genetic evidence.